The following is an entry in ClinVar:

ClinVar aggregate classification (germline): Uncertain significance (1 of 4 stars; one submission).

Conditions:
Hereditary diffuse gastric adenocarcinoma (HDGC). Also called: DIFFUSE GASTRIC AND LOBULAR BREAST CANCER SYNDROME. Identifiers: Orphanet 26106, MedGen C1708349, MONDO:0007648, OMIM 137215.

Submission:

Labcorp Genetics (formerly Invitae), Labcorp
Classification: Uncertain significance for Hereditary diffuse gastric adenocarcinoma. Last evaluated: 2024-03-20. Review status: criteria provided, single submitter. Criteria: Invitae Variant Classification Sherloc (09022015). Collection method: clinical testing. Allele origin: germline.
Comment: This sequence change replaces threonine, which is neutral and polar, with asparagine, which is neutral and polar, at codon 342 of the CDH1 protein (p.Thr342Asn). This variant is not present in population databases (gnomAD no frequency). This variant has not been reported in the literature in individuals affected with CDH1-related conditions. ClinVar contains an entry for this variant (Variation ID: 1407460). An algorithm developed to predict the effect of missense changes on protein structure and function (PolyPhen-2) suggests that this variant is likely to be disruptive. In summary, the available evidence is currently insufficient to determine the role of this variant in disease. Therefore, it has been classified as a Variant of Uncertain Significance.

NM_004360.5(CDH1):c.1025C>A (p.Thr342Asn)

Gene: CDH1 (cadherin 1; plus strand). Cytogenetic location: 16q22.1.
Variant type: single nucleotide variant.
Coding change: c.1025C>A on transcript NM_004360.5 (MANE Select); coding-DNA position 1025, C replaced by A.
Protein change: p.Thr342Asn; replaces threonine 342 with asparagine.
Molecular consequence: missense variant. On other transcripts: 5 prime UTR variant (2).
Genome position (GRCh38, 1-based): chr16:68,812,151, C>A. VCF-style: chr16-68812151-C-A. GRCh37 (hg19) VCF-style: chr16-68846054-C-A.
Other names: c.1025C>A, p.Thr342Asn (NM_001317184.2); c.-591C>A (NM_001317185.2); c.-795C>A (NM_001317186.2); short protein forms T342N.
Identifiers: ClinVar variation 1407460 (VCV001407460.6), dbSNP rs2152132510, ClinGen allele CA396459948.